The following is an entry in ClinVar:

NM_022051.3(EGLN1):c.544A>T (p.Asn182Tyr)

Gene: EGLN1 (egl-9 family hypoxia inducible factor 1; minus strand). Cytogenetic location: 1q42.2.
Variant type: single nucleotide variant.
Coding change: c.544A>T on transcript NM_022051.3 (MANE Select); coding-DNA position 544, A replaced by T.
Protein change: p.Asn182Tyr; replaces asparagine 182 with tyrosine.
Molecular consequence: missense variant.
Genome position (GRCh38, 1-based): chr1:231,421,345, T>A on the plus strand (A>T on the coding strand, the complement: EGLN1 is on the minus strand). VCF-style: chr1-231421345-T-A. GRCh37 (hg19) VCF-style: chr1-231557091-T-A.
Other names: c.544A>T, p.Asn182Tyr (NM_001377260.1, NM_001377261.1); short protein forms N182Y.
Identifiers: ClinVar variation 1747593 (VCV001747593.2), dbSNP rs1191315717, ClinGen allele CA345236681.

ClinVar aggregate classification (germline): Uncertain significance (1 of 4 stars; one submission).

Allele frequency attached by ClinVar (database versions not stated): TOPMed below 0.00001.

Submission:

Ambry Genetics
Classification: Uncertain significance. Last evaluated: 2023-12-01. Review status: criteria provided, single submitter. Criteria: Ambry Variant Classification Scheme 2023. Collection method: clinical testing. Allele origin: germline.
Comment: The p.N182Y variant (also known as c.544A>T), located in coding exon 1 of the EGLN1 gene, results from an A to T substitution at nucleotide position 544. The asparagine at codon 182 is replaced by tyrosine, an amino acid with dissimilar properties. This amino acid position is conserved. In addition, this alteration is predicted to be tolerated by in silico analysis. Since supporting evidence is limited at this time, the clinical significance of this alteration remains unclear.